The following is an entry in ClinVar:

ClinVar aggregate classification (germline): Pathogenic (1 of 4 stars; one submission).

Conditions:
Polycystic kidney disease 2 (PKD2). Also called: Polycystic Kidney Disease 2, Autosomal Dominant; POLYCYSTIC KIDNEY DISEASE, ADULT, TYPE II; POLYCYSTIC KIDNEY DISEASE 2 WITH OR WITHOUT POLYCYSTIC LIVER DISEASE. Identifiers: MedGen C2751306, MONDO:0013131, OMIM 613095.

Submission:

Victorian Clinical Genetics Services, Murdoch Childrens Research Institute
Classification: Pathogenic for Polycystic kidney disease 2. Last evaluated: 2023-07-17. Review status: criteria provided, single submitter. Criteria: ACMG Guidelines, 2015. Collection method: clinical testing. Allele origin: germline. Inheritance: Autosomal dominant inheritance. Affected: yes.
Comment: Based on the classification scheme VCGS_Germline_v1.3.4, this variant is classified as Pathogenic. Following criteria are met: 0102 - Loss of function is a known mechanism of disease in this gene and is associated with polycystic kidney disease 2 (MIM#613095). (I) 0107 - This gene is associated with autosomal dominant disease. (I) 0201 - Variant is predicted to cause nonsense-mediated decay (NMD) and loss of protein (premature termination codon is located at least 54 nucleotides upstream of the final exon-exon junction). (SP) 0251 - This variant is heterozygous. (I) 0301 - Variant is absent from gnomAD (both v2 and v3). (SP) 0701 - Other NMD predicted variants comparable to the one identified in this case have very strong previous evidence for pathogenicity (DECIPHER). (SP) 0807 - This variant has no previous evidence of pathogenicity. (I) 0905 - No published segregation evidence has been identified for this variant. (I) 1007 - No published functional evidence has been identified for this variant. (I) 1208 - Inheritance information for this variant is not currently available in this individual. (I) Legend: (SP) - Supporting pathogenic, (I) - Information, (SB) - Supporting benign

NM_000297.4(PKD2):c.744C>G (p.Tyr248Ter)

Gene: PKD2 (polycystin 2, transient receptor potential cation channel; plus strand). Cytogenetic location: 4q22.1.
Variant type: single nucleotide variant.
Coding change: c.744C>G on transcript NM_000297.4 (MANE Select); coding-DNA position 744, C replaced by G.
Protein change: p.Tyr248Ter; replaces tyrosine 248 with a stop codon.
Molecular consequence: nonsense. On other transcripts: non-coding transcript variant (1).
Genome position (GRCh38, 1-based): chr4:88,036,254, C>G. VCF-style: chr4-88036254-C-G. GRCh37 (hg19) VCF-style: chr4-88957406-C-G.
Other names: short protein forms Y248*.
Identifiers: ClinVar variation 3254862 (VCV003254862.1), dbSNP rs1727326556.